The following is an entry in ClinVar:

ClinVar aggregate classification (germline): Likely benign (1 of 4 stars; one submission).

Allele frequency attached by ClinVar (database versions not stated): gnomAD exomes below 0.00001; TOPMed 0.00002; gnomAD 0.00004.

Submission:

CeGaT Center for Human Genetics Tuebingen
Classification: Likely benign. Last evaluated: 2022-06-01. Review status: criteria provided, single submitter. Criteria: CeGaT Center For Human Genetics Tuebingen Variant Classification Criteria Version 2. Collection method: clinical testing. Allele origin: germline. Affected: yes. Observed: 1 variant allele.
Comment: KDM5C: BP4, BP7

NM_004187.5(KDM5C):c.2511A>G (p.Glu837=)

Gene: KDM5C (lysine demethylase 5C; minus strand). Cytogenetic location: Xp11.22.
Variant type: single nucleotide variant.
Coding change: c.2511A>G on transcript NM_004187.5 (MANE Select); coding-DNA position 2511, A replaced by G.
Protein change: p.Glu837=; no amino-acid change (glutamic acid 837 retained).
Molecular consequence: synonymous variant. On other transcripts: non-coding transcript variant (3).
Genome position (GRCh38, 1-based): chrX:53,198,495, T>C on the plus strand (A>G on the coding strand, the complement: KDM5C is on the minus strand). VCF-style: chrX-53198495-T-C. GRCh37 (hg19) VCF-style: chrX-53227677-T-C.
Other names: c.2310A>G, p.Glu770= (NM_001146702.2); c.2508A>G, p.Glu836= (NM_001282622.3, NM_001353979.2, NM_001353982.2); c.2511A>G, p.Glu837= (NM_001353978.3, NM_001353981.2, NM_001353984.2).
Identifiers: ClinVar variation 2660589 (VCV002660589.24), dbSNP rs1214453056, ClinGen allele CA516425752.